The following is an entry in ClinVar:

ClinVar aggregate classification (germline): Uncertain significance. Review status: criteria provided, multiple submitters, no conflicts (2 of 4 stars). 3 submissions from 3 submitters: Uncertain significance (3). Last evaluated 2025-11-16.

Conditions:
Inborn genetic diseases. Identifiers: MedGen C0950123, MeSH D030342.
Hyperphosphatasia with impaired intellectual development syndrome 2. Also called: Hyperphosphatasia with intellectual disability syndrome 2; GLYCOSYLPHOSPHATIDYLINOSITOL BIOSYNTHESIS DEFECT 6. Identifiers: Orphanet 247262, MedGen C3553637, MONDO:0013882, OMIM 614749.

Allele frequency attached by ClinVar (database versions not stated): ExAC 0.00003; gnomAD 0.00004; gnomAD exomes 0.00003; ESP Exome Variant Server 0.00015; TOPMed 0.00004.

Submissions (3):

Labcorp Genetics (formerly Invitae), Labcorp
Classification: Uncertain significance for Hyperphosphatasia with impaired intellectual development syndrome 2. Last evaluated: 2025-11-16. Review status: criteria provided, single submitter. Criteria: Invitae Variant Classification Sherloc (09022015). Collection method: clinical testing. Allele origin: germline.
Comment: This sequence change replaces isoleucine, which is neutral and non-polar, with methionine, which is neutral and non-polar, at codon 113 of the PIGO protein (p.Ile113Met). This variant is present in population databases (rs370330559, gnomAD 0.007%). This variant has not been reported in the literature in individuals affected with PIGO-related conditions. ClinVar contains an entry for this variant (Variation ID: 942025). Invitae Evidence Modeling of protein sequence and biophysical properties (such as structural, functional, and spatial information, amino acid conservation, physicochemical variation, residue mobility, and thermodynamic stability) indicates that this missense variant is not expected to disrupt PIGO protein function with a negative predictive value of 95%. In summary, the available evidence is currently insufficient to determine the role of this variant in disease. Therefore, it has been classified as a Variant of Uncertain Significance.

Ambry Genetics
Classification: Uncertain significance for Inborn genetic diseases. Last evaluated: 2024-08-27. Review status: criteria provided, single submitter. Criteria: Ambry Variant Classification Scheme 2023. Collection method: clinical testing. Allele origin: germline.

GeneDx
Classification: Uncertain significance. Last evaluated: 2020-09-18. Review status: criteria provided, single submitter. Criteria: GeneDx Variant Classification Process June 2021. Collection method: clinical testing. Allele origin: germline. Affected: yes.
Comment: Not observed at a significant frequency in large population cohorts (Lek et al., 2016); In silico analysis supports that this missense variant does not alter protein structure/function; Has not been previously published as pathogenic or benign to our knowledge

NM_032634.4(PIGO):c.339T>G (p.Ile113Met)

Gene: PIGO (phosphatidylinositol glycan anchor biosynthesis class O; minus strand). Cytogenetic location: 9p13.3.
Variant type: single nucleotide variant.
Coding change: c.339T>G on transcript NM_032634.4 (MANE Select); coding-DNA position 339, T replaced by G.
Protein change: p.Ile113Met; replaces isoleucine 113 with methionine.
Molecular consequence: missense variant.
Genome position (GRCh38, 1-based): chr9:35,095,227, A>C on the plus strand (T>G on the coding strand, the complement: PIGO is on the minus strand). VCF-style: chr9-35095227-A-C. GRCh37 (hg19) VCF-style: chr9-35095224-A-C.
Other names: c.339T>G, p.Ile113Met (NM_001201484.2, NM_152850.4); short protein forms I113M.
Identifiers: ClinVar variation 942025 (VCV000942025.10), dbSNP rs370330559, ClinGen allele CA5040966.